The following is an entry in ClinVar:

ClinVar aggregate classification (germline): Conflicting classifications of pathogenicity. Review status: criteria provided, conflicting classifications (1 of 4 stars). 7 submissions from 6 submitters: Uncertain significance (5); Likely benign (1). 1 of the submissions does not count toward it. Last evaluated 2025-10-15.

Conditions:
Hypercholesterolemia, autosomal dominant, type B (FHCL2). Also called: Familial hypercholesterolemia 2; Familial Hypercholesterolemia Type B; APOLIPOPROTEIN B-100, FAMILIAL DEFECTIVE; APOLIPOPROTEIN B-100, FAMILIAL LIGAND-DEFECTIVE; HYPERCHOLESTEROLEMIA, FAMILIAL, DUE TO LIGAND-DEFECTIVE APOLIPOPROTEIN B; APOB-Related Familial Hypercholesterolemia, Autosomal Dominant. Identifiers: MedGen C1704417, MONDO:0007751, OMIM 144010.
Familial hypobetalipoproteinemia 1. Also called: Hypobetalipoproteinemia, normotriglyceridemic; Acanthocytosis with hypobetalipoproteinemia; APOB-Related Familial Hypobetalipoproteinemia. Identifiers: MedGen C4551990, MONDO:0014252, OMIM 615558.
Cardiovascular phenotype. Identifiers: MedGen CN230736.

Allele frequency attached by ClinVar (database versions not stated): TOPMed below 0.00001; gnomAD exomes 0.00001 and 0.00003; ExAC 0.00002.
gnomAD v4.1: 17 of 1,614,092 alleles (0.0011%); highest among the groups gnomAD compares: Middle Eastern, 0.049%; no homozygotes.

Submissions (7):

Labcorp Genetics (formerly Invitae), Labcorp
Classification: Likely benign for Familial hypobetalipoproteinemia 1; Hypercholesterolemia, autosomal dominant, type B. Last evaluated: 2025-10-15. Review status: criteria provided, single submitter. Criteria: Invitae Variant Classification Sherloc (09022015). Collection method: clinical testing. Allele origin: germline.

Quest Diagnostics Nichols Institute San Juan Capistrano
Classification: Uncertain significance. Last evaluated: 2025-06-02. Review status: criteria provided, single submitter. Criteria: Quest Diagnostics criteria. Collection method: clinical testing. Allele origin: unknown.
Comment: The APOB c.7939A>C (p.Thr2647Pro) variant has been reported in the published literature in individuals with hepatocellular carcinoma (PMID: 30842500 (2019)). The frequency of this variant in the general population (Genome Aggregation Database) is uninformative in the assessment of its pathogenicity. Analysis of this variant using bioinformatics tools for the prediction of the effect of amino acid changes on protein structure and function yielded conflicting predictions that this variant is benign or damaging. Based on the available information, we are unable to determine the clinical significance of this variant.

Ambry Genetics
Classification: Uncertain significance for Cardiovascular phenotype. Last evaluated: 2023-03-29. Review status: criteria provided, single submitter. Criteria: Ambry Variant Classification Scheme 2023. Collection method: clinical testing. Allele origin: germline.
Comment: The p.T2647P variant (also known as c.7939A>C), located in coding exon 26 of the APOB gene, results from an A to C substitution at nucleotide position 7939. The threonine at codon 2647 is replaced by proline, an amino acid with highly similar properties. This amino acid position is not well conserved in available vertebrate species. In addition, this alteration is predicted to be tolerated by in silico analysis. Since supporting evidence is limited at this time, the clinical significance of this alteration remains unclear.

Fulgent Genetics
Classification: Uncertain significance for Hypercholesterolemia, autosomal dominant, type B; Familial hypobetalipoproteinemia 1. Last evaluated: 2021-08-16. Review status: criteria provided, single submitter. Criteria: ACMG Guidelines, 2015. Collection method: clinical testing. Allele origin: unknown.

Illumina Laboratory Services, Illumina
Classification: Uncertain significance for Familial hypobetalipoproteinemia 1. Last evaluated: 2018-01-13. Review status: criteria provided, single submitter. Criteria: ICSL Variant Classification Criteria 13 December 2019. Collection method: clinical testing. Allele origin: germline.

Illumina Laboratory Services, Illumina
Classification: Uncertain significance for Hypercholesterolemia, autosomal dominant, type B. Last evaluated: 2018-01-13. Review status: criteria provided, single submitter. Criteria: ICSL Variant Classification Criteria 13 December 2019. Collection method: clinical testing. Allele origin: germline.

Metabolic Liver Diseases Lab, Fondazione IRCCS Ca Granda Policlinico, University of Milan
Classification: Likely pathogenic for Familial hypobetalipoproteinemia 1. Last evaluated: 2018-12-01. Review status: no assertion criteria provided. Collection method: case-control. Allele origin: germline. Affected: yes. Observed: 1 variant allele. Not counted in ClinVar's aggregate classification.

Literature cited by the submitters: PubMed 30842500 (cited by Quest Diagnostics Nichols Institute San Juan Capistrano and Metabolic Liver Diseases Lab, Fondazione IRCCS Ca Granda Policlinico, University of Milan).

NM_000384.3(APOB):c.7939A>C (p.Thr2647Pro)

Gene: APOB (apolipoprotein B; minus strand). Cytogenetic location: 2p24.1.
Variant type: single nucleotide variant.
Coding change: c.7939A>C on transcript NM_000384.3 (MANE Select); coding-DNA position 7939, A replaced by C.
Protein change: p.Thr2647Pro; replaces threonine 2647 with proline.
Molecular consequence: missense variant.
Genome position (GRCh38, 1-based): chr2:21,008,929, T>G on the plus strand (A>C on the coding strand, the complement: APOB is on the minus strand). VCF-style: chr2-21008929-T-G. GRCh37 (hg19) VCF-style: chr2-21231801-T-G.
Other names: short protein forms T2647P.
Identifiers: ClinVar variation 334123 (VCV000334123.18), dbSNP rs748143305, ClinGen allele CA064933.